The following is an entry in ClinVar:

NM_032043.3(BRIP1):c.1308A>C (p.Glu436Asp)

Gene: BRIP1 (BRCA1 interacting DNA helicase 1; minus strand). Cytogenetic location: 17q23.2.
Variant type: single nucleotide variant.
Coding change: c.1308A>C on transcript NM_032043.3 (MANE Select); coding-DNA position 1308, A replaced by C.
Protein change: p.Glu436Asp; replaces glutamic acid 436 with aspartic acid.
Molecular consequence: missense variant.
Genome position (GRCh38, 1-based): chr17:61,799,132, T>G on the plus strand (A>C on the coding strand, the complement: BRIP1 is on the minus strand). VCF-style: chr17-61799132-T-G. GRCh37 (hg19) VCF-style: chr17-59876493-T-G.
Other names: short protein forms E436D.
Identifiers: ClinVar variation 3894295 (VCV003894295.3).
Genomic context (GRCh38, chr17:61,799,132, plus strand): 5'-AAATACACTAATAGACAAATCTTCTTACTTAATGAGGCTACAGCACACAGCTCGTAGGGG[T>G]TCATGATCTTTCTTCCTTATATTATTGTTGACCATACTATCTAGTTCATCCCGAGCAAAC-3'
Protein context (NP_114432.2, residues 426-446): VNNNIRKKDH[Glu436Asp]PLRAVCCSLI

ClinVar aggregate classification (germline): Uncertain significance. Review status: criteria provided, multiple submitters, no conflicts (2 of 4 stars). 3 submissions from 3 submitters: Uncertain significance (3). Last evaluated 2026-02-01.

Conditions:
Hereditary cancer-predisposing syndrome. Also called: Neoplastic Syndromes, Hereditary; Tumor predisposition; Hereditary Cancer Syndrome; Hereditary neoplastic syndrome. Identifiers: Orphanet 140162, MedGen C0027672, MeSH D009386, MONDO:0015356.
Fanconi anemia complementation group J. Also called: BRIP1-Related Fanconi Anemia. Identifiers: Orphanet 84, MedGen C1836860, MONDO:0012187, OMIM 609054.
Familial cancer of breast. Also called: BREAST CANCER, FAMILIAL; Hereditary breast cancer; hereditary breast carcinoma. Identifiers: Orphanet 227535, MedGen C0346153, MONDO:0016419, OMIM 114480. Disease mechanism: loss of function.

gnomAD v4.1: 2 of 1,613,512 alleles (0.00012%); highest among the groups gnomAD compares: Non-Finnish European, 0.00017%; no homozygotes.

Submissions (3):

Labcorp Genetics (formerly Invitae), Labcorp
Classification: Uncertain significance for Familial cancer of breast; Fanconi anemia complementation group J. Last evaluated: 2026-02-01. Review status: criteria provided, single submitter. Criteria: Invitae Variant Classification Sherloc (09022015). Collection method: clinical testing. Allele origin: germline.
Comment: This sequence change replaces glutamic acid, which is acidic and polar, with aspartic acid, which is acidic and polar, at codon 436 of the BRIP1 protein (p.Glu436Asp). This variant is not present in population databases (gnomAD no frequency). This variant has not been reported in the literature in individuals affected with BRIP1-related conditions. ClinVar contains an entry for this variant (Variation ID: 3894295). Invitae Evidence Modeling of protein sequence and biophysical properties (such as structural, functional, and spatial information, amino acid conservation, physicochemical variation, residue mobility, and thermodynamic stability) indicates that this missense variant is not expected to disrupt BRIP1 protein function with a negative predictive value of 95%. In summary, the available evidence is currently insufficient to determine the role of this variant in disease. Therefore, it has been classified as a Variant of Uncertain Significance.

Color Diagnostics, LLC DBA Color Health
Classification: Uncertain significance for Hereditary cancer-predisposing syndrome. Last evaluated: 2025-04-06. Review status: criteria provided, single submitter. Criteria: ACMG Guidelines, 2015. Collection method: clinical testing. Allele origin: germline.
Comment: This missense variant replaces glutamic acid with aspartic acid at codon 436 of the BRIP1 protein. Computational prediction suggests that this variant may not impact protein structure and function (internally defined REVEL score threshold <= 0.5, PMID: 27666373). To our knowledge, functional studies have not been reported for this variant. This variant has not been reported in individuals affected with BRIP1-related disorders in the literature. This variant has not been identified in the general population by the Genome Aggregation Database (gnomAD). The available evidence is insufficient to determine the role of this variant in disease conclusively. Therefore, this variant is classified as a Variant of Uncertain Significance.

Blueprint Genetics
Classification: Uncertain significance. Last evaluated: 2019-01-08. Review status: criteria provided, single submitter. Criteria: ACMG Guidelines, 2015. Collection method: clinical testing. Allele origin: germline.